The following is an entry in ClinVar:

NM_032130.3(FAM186B):c.281A>T (p.Glu94Val)

Gene: FAM186B (family with sequence similarity 186 member B; minus strand). Cytogenetic location: 12q13.12.
Variant type: single nucleotide variant.
Coding change: c.281A>T on transcript NM_032130.3 (MANE Select); coding-DNA position 281, A replaced by T.
Protein change: p.Glu94Val; replaces glutamic acid 94 with valine.
Molecular consequence: missense variant. On other transcripts: non-coding transcript variant (1).
Genome position (GRCh38, 1-based): chr12:49,604,354, T>A on the plus strand (A>T on the coding strand, the complement: FAM186B is on the minus strand). VCF-style: chr12-49604354-T-A. GRCh37 (hg19) VCF-style: chr12-49998137-T-A.
Other names: short protein forms E94V.
Identifiers: ClinVar variation 2172722 (VCV002172722.4), dbSNP rs758516249, ClinGen allele CA6554945.

ClinVar aggregate classification (germline): Uncertain significance (1 of 4 stars; one submission).

Allele frequency attached by ClinVar (database versions not stated): TOPMed below 0.00001; ExAC 0.00001; gnomAD exomes 0.00001.
gnomAD v4.1: 5 of 1,614,236 alleles (0.00031%); highest among the groups gnomAD compares: Admixed American, 0.0067%; no homozygotes.

Submission:

Labcorp Genetics (formerly Invitae), Labcorp
Classification: Uncertain significance. Last evaluated: 2022-08-24. Review status: criteria provided, single submitter. Criteria: Invitae Variant Classification Sherloc (09022015). Collection method: clinical testing. Allele origin: germline.
Comment: In summary, the available evidence is currently insufficient to determine the role of this variant in disease. Therefore, it has been classified as a Variant of Uncertain Significance. Algorithms developed to predict the effect of sequence changes on RNA splicing suggest that this variant may create or strengthen a splice site. Algorithms developed to predict the effect of missense changes on protein structure and function are either unavailable or do not agree on the potential impact of this missense change (SIFT: "Not Available"; PolyPhen-2: "Probably Damaging"; Align-GVGD: "Not Available"). This variant has not been reported in the literature in individuals affected with FAM186B-related conditions. This variant is present in population databases (rs758516249, gnomAD 0.006%). This sequence change replaces glutamic acid, which is acidic and polar, with valine, which is neutral and non-polar, at codon 94 of the FAM186B protein (p.Glu94Val).